The following is an entry in ClinVar:

NM_001040142.2(SCN2A):c.3818C>T (p.Ala1273Val)

Gene: SCN2A (sodium voltage-gated channel alpha subunit 2; plus strand). Cytogenetic location: 2q24.3.
Variant type: single nucleotide variant.
Coding change: c.3818C>T on transcript NM_001040142.2 (MANE Select); coding-DNA position 3818, C replaced by T.
Protein change: p.Ala1273Val; replaces alanine 1273 with valine.
Molecular consequence: missense variant.
Genome position (GRCh38, 1-based): chr2:165,370,268, C>T. VCF-style: chr2-165370268-C-T. GRCh37 (hg19) VCF-style: chr2-166226778-C-T.
Other names: c.3818C>T, p.Ala1273Val (NM_001040143.2, NM_001371246.1, NM_001371247.1 and 1 more transcripts); short protein forms A1273V.
Identifiers: ClinVar variation 4074409 (VCV004074409.1).
Genomic context (GRCh38, chr2:165,370,268, plus strand): 5'-TCATTCTGGAAATGCTGCTAAAGTGGGTTGCATATGGTTTTCAAGTGTATTTTACCAATG[C>T]CTGGTGCTGGCTAGACTTCCTGATTGTTGATGTGAGTATGCTGCACTTTGCTGCTTTATT-3'
Protein context (NP_001035232.1, residues 1263-1283): AYGFQVYFTN[Ala1273Val]WCWLDFLIVD

ClinVar aggregate classification (germline): Uncertain significance (1 of 4 stars; one submission).

Submission:

GeneDx
Classification: Uncertain significance. Last evaluated: 2025-02-07. Review status: criteria provided, single submitter. Criteria: GeneDx Variant Classification Process June 2021. Collection method: clinical testing. Allele origin: germline. Affected: yes.
Comment: Not observed at significant frequency in large population cohorts (gnomAD); In silico analysis supports that this missense variant has a deleterious effect on protein structure/function; Has not been previously published as pathogenic or benign to our knowledge; This substitution is predicted to be within the intracellular loop between the S2 and S3 transmembrane segments of the third homologous domain